The following is an entry in ClinVar:

NM_001130987.2(DYSF):c.2116G>A (p.Gly706Ser)

Gene: DYSF (dysferlin; plus strand). Cytogenetic location: 2p13.2.
Variant type: single nucleotide variant.
Coding change: c.2116G>A on transcript NM_001130987.2 (MANE Select); coding-DNA position 2116, G replaced by A.
Protein change: p.Gly706Ser; replaces glycine 706 with serine.
Molecular consequence: missense variant.
Genome position (GRCh38, 1-based): chr2:71,555,971, G>A. VCF-style: chr2-71555971-G-A. GRCh37 (hg19) VCF-style: chr2-71783101-G-A.
Other names: c.2065G>A, p.Gly689Ser (NM_001130455.2, NM_001130983.2); c.2020G>A, p.Gly674Ser (NM_001130976.2, NM_001130977.2); c.2062G>A, p.Gly688Ser (NM_001130978.2, NM_003494.4); c.2155G>A, p.Gly719Ser (NM_001130979.2); c.2113G>A, p.Gly705Ser (NM_001130980.2, NM_001130981.2); c.2158G>A, p.Gly720Ser (NM_001130982.2); c.2023G>A, p.Gly675Ser (NM_001130984.2, NM_001130986.2); c.2116G>A, p.Gly706Ser (NM_001130985.2); short protein forms G674S, G689S, G705S, G719S, G688S, G675S, G706S, G720S.
Identifiers: ClinVar variation 652221 (VCV000652221.6), dbSNP rs1262272147, ClinGen allele CA347219077.

ClinVar aggregate classification (germline): Uncertain significance (1 of 4 stars; one submission).

Conditions:
Neuromuscular disease caused by qualitative or quantitative defects of dysferlin. Also called: Qualitative or quantitative defects of dysferlin; Dysferlinopathy. Identifiers: Orphanet 207073, MedGen C2931687, MONDO:0016145.

Allele frequency attached by ClinVar (database versions not stated): TOPMed below 0.00001.

Submission:

Labcorp Genetics (formerly Invitae), Labcorp
Classification: Uncertain significance for Neuromuscular disease caused by qualitative or quantitative defects of dysferlin. Last evaluated: 2022-08-23. Review status: criteria provided, single submitter. Criteria: Invitae Variant Classification Sherloc (09022015). Collection method: clinical testing. Allele origin: germline.
Comment: This sequence change replaces glycine, which is neutral and non-polar, with serine, which is neutral and polar, at codon 688 of the DYSF protein (p.Gly688Ser). This variant is not present in population databases (gnomAD no frequency). This variant has not been reported in the literature in individuals affected with DYSF-related conditions. ClinVar contains an entry for this variant (Variation ID: 652221). Advanced modeling of protein sequence and biophysical properties (such as structural, functional, and spatial information, amino acid conservation, physicochemical variation, residue mobility, and thermodynamic stability) performed at Invitae indicates that this missense variant is not expected to disrupt DYSF protein function. In summary, the available evidence is currently insufficient to determine the role of this variant in disease. Therefore, it has been classified as a Variant of Uncertain Significance.